The following is an entry in ClinVar:

NM_152564.5(VPS13B):c.5522A>G (p.Asn1841Ser)

Gene: VPS13B (vacuolar protein sorting 13 homolog B; plus strand). Cytogenetic location: 8q22.2.
Variant type: single nucleotide variant.
Coding change: c.5522A>G on transcript NM_152564.5 (MANE Select); coding-DNA position 5522, A replaced by G.
Protein change: p.Asn1841Ser; replaces asparagine 1841 with serine.
Molecular consequence: missense variant.
Genome position (GRCh38, 1-based): chr8:99,642,112, A>G. VCF-style: chr8-99642112-A-G. GRCh37 (hg19) VCF-style: chr8-100654340-A-G.
Other names: c.5597A>G, p.Asn1866Ser (NM_017890.5); short protein forms N1841S, N1866S.
Identifiers: ClinVar variation 2092298 (VCV002092298.1), dbSNP rs777799261, ClinGen allele CA4823837.

ClinVar aggregate classification (germline): Uncertain significance (1 of 4 stars; one submission).

Conditions:
Cohen syndrome (COH1). Also called: Cutis verticis gyrata, retinitis pigmentosa, and sensorineural deafness; PEPPER SYNDROME. Identifiers: Orphanet 193, MedGen C0265223, MONDO:0008999, OMIM 216550.

Allele frequency attached by ClinVar (database versions not stated): gnomAD exomes below 0.00001; ExAC 0.00002.
gnomAD v4.1: 2 of 1,614,182 alleles (0.00012%); highest among the groups gnomAD compares: Admixed American, 0.0033%; no homozygotes.

Submission:

Labcorp Genetics (formerly Invitae), Labcorp
Classification: Uncertain significance for Cohen syndrome. Last evaluated: 2022-07-25. Review status: criteria provided, single submitter. Criteria: Invitae Variant Classification Sherloc (09022015). Collection method: clinical testing. Allele origin: germline.
Comment: This sequence change replaces asparagine, which is neutral and polar, with serine, which is neutral and polar, at codon 1866 of the VPS13B protein (p.Asn1866Ser). This variant is present in population databases (rs777799261, gnomAD 0.006%). This variant has not been reported in the literature in individuals affected with VPS13B-related conditions. Algorithms developed to predict the effect of missense changes on protein structure and function are either unavailable or do not agree on the potential impact of this missense change (SIFT: "Not Available"; PolyPhen-2: "Benign"; Align-GVGD: "Not Available"). In summary, the available evidence is currently insufficient to determine the role of this variant in disease. Therefore, it has been classified as a Variant of Uncertain Significance.